The following is an entry in ClinVar:

ClinVar aggregate classification (germline): Pathogenic (1 of 4 stars; one submission).

Submission:

Labcorp Genetics (formerly Invitae), Labcorp
Classification: Pathogenic. Last evaluated: 2023-11-13. Review status: criteria provided, single submitter. Criteria: Invitae Variant Classification Sherloc (09022015). Collection method: clinical testing. Allele origin: germline.
Comment: This sequence change creates a premature translational stop signal (p.Pro498Alafs*26) in the MSH3 gene. It is expected to result in an absent or disrupted protein product. Loss-of-function variants in MSH3 are known to be pathogenic (PMID: 27476653, 37402566). This variant is not present in population databases (gnomAD no frequency). This variant has not been reported in the literature in individuals affected with MSH3-related conditions. For these reasons, this variant has been classified as Pathogenic.

Literature cited by the submitters: PubMed 27476653; PubMed 37402566.

NM_002439.5(MSH3):c.1490dup (p.Pro498fs)

Gene: MSH3 (mutS homolog 3; plus strand). Cytogenetic location: 5q14.1.
Variant type: Duplication.
Coding change: c.1490dup on transcript NM_002439.5 (MANE Select); coding-DNA position 1490, one base duplicated (A; older notation c.1490dupA).
Protein change: p.Pro498fs; shifts the reading frame from proline 498.
Molecular consequence: frameshift variant.
Genome position (GRCh38, 1-based): chr5:80,728,887, A duplicated; the last of 2 consecutive A bases (chr5:80,728,886-80,728,887); duplicating either gives the same sequence. VCF-style (leftmost placement, unchanged base first): chr5-80728885-G-GA. GRCh37 (hg19) VCF-style: chr5-80024704-G-GA.
Other names: short protein forms P498fs.
Identifiers: ClinVar variation 2695441 (VCV002695441.3), dbSNP rs2546754625, ClinGen allele CA2697546211.